The following is an entry in ClinVar:

NM_001377142.1(PLCB4):c.1382A>C (p.Lys461Thr)

Gene: PLCB4 (phospholipase C beta 4; plus strand). Cytogenetic location: 20p12.2.
Variant type: single nucleotide variant.
Coding change: c.1382A>C on transcript NM_001377142.1 (MANE Select); coding-DNA position 1382, A replaced by C.
Protein change: p.Lys461Thr; replaces lysine 461 with threonine.
Molecular consequence: missense variant.
Genome position (GRCh38, 1-based): chr20:9,393,646, A>C. VCF-style: chr20-9393646-A-C. GRCh37 (hg19) VCF-style: chr20-9374293-A-C.
Other names: c.1382A>C, p.Lys461Thr (NM_000933.4, NM_001172646.2, NM_001377134.2 and 4 more transcripts); short protein forms K461T.
Identifiers: ClinVar variation 3364953 (VCV003364953.2).

ClinVar aggregate classification (germline): Uncertain significance (1 of 4 stars; one submission).

Submission:

GeneDx
Classification: Uncertain significance. Last evaluated: 2026-10-15. Review status: criteria provided, single submitter. Criteria: GeneDx Variant Classification Process June 2021. Collection method: clinical testing. Allele origin: germline.
Comment: Not observed at significant frequency in large population cohorts (gnomAD); In silico analysis supports that this missense variant has a deleterious effect on protein structure/function; Has not been previously published as pathogenic or benign to our knowledge